The following is an entry in ClinVar:

ClinVar aggregate classification (germline): Uncertain significance. Review status: criteria provided, multiple submitters, no conflicts (2 of 4 stars). 2 submissions from 2 submitters: Uncertain significance (2). Last evaluated 2025-10-17.

Allele frequency attached by ClinVar (database versions not stated): TOPMed below 0.00001; ExAC 0.00001; gnomAD exomes below 0.00001.

Submissions (2):

Labcorp Genetics (formerly Invitae), Labcorp
Classification: Uncertain significance. Last evaluated: 2025-10-17. Review status: criteria provided, single submitter. Criteria: Invitae Variant Classification Sherloc (09022015). Collection method: clinical testing. Allele origin: germline.
Comment: This sequence change replaces arginine, which is basic and polar, with tryptophan, which is neutral and slightly polar, at codon 419 of the DNM1L protein (p.Arg419Trp). The frequency data for this variant in the population databases is considered unreliable, as metrics indicate poor data quality at this position in the gnomAD database. This variant has not been reported in the literature in individuals affected with DNM1L-related conditions. ClinVar contains an entry for this variant (Variation ID: 634599). An algorithm developed to predict the effect of missense changes on protein structure and function (PolyPhen-2) suggests that this variant is likely to be disruptive. In summary, the available evidence is currently insufficient to determine the role of this variant in disease. Therefore, it has been classified as a Variant of Uncertain Significance.

Genomic Research Center, Shahid Beheshti University of Medical Sciences
Classification: Uncertain significance. Last evaluated: 2019-01-01. Review status: criteria provided, single submitter. Criteria: ACMG Guidelines, 2015. Collection method: clinical testing. Allele origin: unknown. Affected: yes. Observed: 1 variant allele.

NM_012062.5(DNM1L):c.1255C>T (p.Arg419Trp)

Gene: DNM1L (dynamin 1 like; plus strand). Cytogenetic location: 12p11.21.
Variant type: single nucleotide variant.
Coding change: c.1255C>T on transcript NM_012062.5 (MANE Select); coding-DNA position 1255, C replaced by T.
Protein change: p.Arg419Trp; replaces arginine 419 with tryptophan.
Molecular consequence: missense variant.
Genome position (GRCh38, 1-based): chr12:32,731,410, C>T. VCF-style: chr12-32731410-C-T. GRCh37 (hg19) VCF-style: chr12-32884344-C-T.
Other names: c.1255C>T, p.Arg419Trp (NM_001278463.2, NM_005690.5, NM_012063.4); c.1294C>T, p.Arg432Trp (NM_001278464.2, NM_001278465.2, NM_001330380.2); c.646C>T, p.Arg216Trp (NM_001278466.2); short protein forms R419W, R216W, R432W.
Identifiers: ClinVar variation 634599 (VCV000634599.7), dbSNP rs776779003, ClinGen allele CA6507494.
Genomic context (GRCh38, chr12:32,731,410, plus strand): 5'-TCTCAGGGTCCTCGTCCTGCTTTATTTGTGCCTGAGGTTTCATTTGAGTTACTGGTGAAG[C>T]GGCAAATCAAACGTCTAGAAGAGCCCAGCCTCCGCTGTGTGGAACTGGTTCATGAGGAAA-3'
Protein context (NP_036192.2, residues 409-429): PEVSFELLVK[Arg419Trp]QIKRLEEPSL